The following is an entry in ClinVar:

ClinVar aggregate classification (germline): Uncertain significance (1 of 4 stars; one submission).

Allele frequency attached by ClinVar (database versions not stated): TOPMed below 0.00001; gnomAD exomes 0.00004; ExAC 0.00007.
gnomAD v4.1: 26 of 1,613,800 alleles (0.0016%); highest among the groups gnomAD compares: Non-Finnish European, 0.0019%; 1 homozygote.

Submission:

Labcorp Genetics (formerly Invitae), Labcorp
Classification: Uncertain significance. Last evaluated: 2022-12-04. Review status: criteria provided, single submitter. Criteria: Invitae Variant Classification Sherloc (09022015). Collection method: clinical testing. Allele origin: germline.
Comment: In summary, the available evidence is currently insufficient to determine the role of this variant in disease. Therefore, it has been classified as a Variant of Uncertain Significance. Algorithms developed to predict the effect of missense changes on protein structure and function (SIFT, PolyPhen-2, Align-GVGD) all suggest that this variant is likely to be tolerated. This variant has not been reported in the literature in individuals affected with DGKZ-related conditions. This variant is present in population databases (rs767161559, gnomAD 0.008%). This sequence change replaces alanine, which is neutral and non-polar, with valine, which is neutral and non-polar, at codon 909 of the DGKZ protein (p.Ala909Val).

NM_001199267.2(DGKZ):c.2159C>T (p.Ala720Val)

Gene: DGKZ (diacylglycerol kinase zeta; plus strand). Cytogenetic location: 11p11.2.
Variant type: single nucleotide variant.
Coding change: c.2159C>T on transcript NM_001199267.2 (MANE Select); coding-DNA position 2159, C replaced by T.
Protein change: p.Ala720Val; replaces alanine 720 with valine.
Molecular consequence: missense variant.
Genome position (GRCh38, 1-based): chr11:46,376,524, C>T. VCF-style: chr11-46376524-C-T. GRCh37 (hg19) VCF-style: chr11-46398074-C-T.
Other names: c.2726C>T, p.Ala909Val (NM_001105540.2); c.2162C>T, p.Ala721Val (NM_001199266.2, NM_003646.4); c.2093C>T, p.Ala698Val (NM_001199268.2); c.2210C>T, p.Ala737Val (NM_201532.3); c.2174C>T, p.Ala725Val (NM_201533.3); short protein forms A698V, A720V, A721V, A725V, A737V, A909V.
Identifiers: ClinVar variation 2776492 (VCV002776492.3), dbSNP rs767161559, ClinGen allele CA5963111.
Genomic context (GRCh38, chr11:46,376,524, plus strand): 5'-GCAGAGGACCTGGGCCTGGACATGGCACTCCCTGATCCTCAGCTGCCCTCTCTCCCACAG[C>T]CACCACTGCCAGCCGCTTCTACAGGATCGACCGAGCCCAGGTGAGCGATTGCAGGCCTGC-3'
Protein context (NP_001186196.1, residues 710-730): KLSPKWCFLD[Ala720Val]TTASRFYRID